The following is an entry in ClinVar:

ClinVar aggregate classification (germline): Uncertain significance. Review status: criteria provided, multiple submitters, no conflicts (2 of 4 stars). 4 submissions from 4 submitters: Uncertain significance (3). 1 of the submissions does not count toward it. Last evaluated 2024-01-14.

Conditions:
NPHP4-related disorder. Also called: NPHP4-related disorders; NPHP4-related condition. Identifiers: MedGen CN239384.
Nephronophthisis. Also called: Juvenile Nephronophthisis. Identifiers: Orphanet 655, MedGen C0687120, MONDO:0019005, HP:0000090.
Senior-Loken syndrome 4 (SLSN4). Identifiers: Orphanet 3156, MedGen C1846979, MONDO:0011756, OMIM 606996.
Nephronophthisis 4 (NPHP4). Also called: NEPHRONOPHTHISIS 4, JUVENILE. Identifiers: Orphanet 655, MedGen C1847013, MONDO:0011752, OMIM 606966.

Allele frequency attached by ClinVar (database versions not stated): ExAC 0.00002; gnomAD 0.00003 and 0.00004; TOPMed 0.00003; gnomAD exomes 0.00006.
gnomAD v4.1: 65 of 1,613,440 alleles (0.004%); highest among the groups gnomAD compares: Middle Eastern, 0.017%; no homozygotes.

Submissions (4):

Fulgent Genetics
Classification: Uncertain significance for Nephronophthisis 4; Senior-Loken syndrome 4. Last evaluated: 2024-01-14. Review status: criteria provided, single submitter. Criteria: ACMG Guidelines, 2015. Collection method: clinical testing. Allele origin: germline.

Labcorp Genetics (formerly Invitae), Labcorp
Classification: Uncertain significance for Nephronophthisis. Last evaluated: 2022-05-15. Review status: criteria provided, single submitter. Criteria: Invitae Variant Classification Sherloc (09022015). Collection method: clinical testing. Allele origin: germline.
Comment: This sequence change replaces glycine, which is neutral and non-polar, with arginine, which is basic and polar, at codon 333 of the NPHP4 protein (p.Gly333Arg). This variant is present in population databases (rs772219240, gnomAD 0.01%). This variant has not been reported in the literature in individuals affected with NPHP4-related conditions. ClinVar contains an entry for this variant (Variation ID: 285517). Algorithms developed to predict the effect of missense changes on protein structure and function output the following: SIFT: "Tolerated"; PolyPhen-2: "Benign"; Align-GVGD: "Class C0". The arginine amino acid residue is found in multiple mammalian species, which suggests that this missense change does not adversely affect protein function. Algorithms developed to predict the effect of sequence changes on RNA splicing suggest that this variant may create or strengthen a splice site. In summary, the available evidence is currently insufficient to determine the role of this variant in disease. Therefore, it has been classified as a Variant of Uncertain Significance.

Eurofins Ntd Llc (ga)
Classification: Uncertain significance. Last evaluated: 2016-01-22. Review status: criteria provided, single submitter. Criteria: EGL Classification Definitions 2015. Collection method: clinical testing. Allele origin: germline. Observed: 2 variant alleles, 2 heterozygotes.

PreventionGenetics, part of Exact Sciences
Classification: Uncertain significance for NPHP4-related condition. Last evaluated: 2024-06-13. Review status: no assertion criteria provided. Collection method: clinical testing. Allele origin: germline. Not counted in ClinVar's aggregate classification.
Comment: The NPHP4 c.997G>A variant is predicted to result in the amino acid substitution p.Gly333Arg. To our knowledge, this variant has not been reported in the literature. This variant is reported in 0.012% of alleles in individuals of Latino descent in gnomAD. At this time, the clinical significance of this variant is uncertain due to the absence of conclusive functional and genetic evidence.

NM_015102.5(NPHP4):c.997G>A (p.Gly333Arg)

Gene: NPHP4 (nephrocystin 4; minus strand). Cytogenetic location: 1p36.31.
Variant type: single nucleotide variant.
Coding change: c.997G>A on transcript NM_015102.5 (MANE Select); coding-DNA position 997, G replaced by A.
Protein change: p.Gly333Arg; replaces glycine 333 with arginine.
Molecular consequence: missense variant. On other transcripts: 5 prime UTR variant (2), non-coding transcript variant (1).
Genome position (GRCh38, 1-based): chr1:5,947,226, C>T on the plus strand (G>A on the coding strand, the complement: NPHP4 is on the minus strand). VCF-style: chr1-5947226-C-T. GRCh37 (hg19) VCF-style: chr1-6007286-C-T.
Other names: c.997G>A (NM_015102.4); c.-370G>A (NM_001291593.2, NM_001291594.2); short protein forms G333R.
Identifiers: ClinVar variation 285517 (VCV000285517.14), dbSNP rs772219240, ClinGen allele CA554669.